The following is an entry in ClinVar:

NM_004960.4(FUS):c.831C>T (p.Ser277=)

Gene: FUS (FUS RNA binding protein; plus strand). Cytogenetic location: 16p11.2.
Variant type: single nucleotide variant.
Coding change: c.831C>T on transcript NM_004960.4 (MANE Select); coding-DNA position 831, C replaced by T.
Protein change: p.Ser277=; no amino-acid change (serine 277 retained).
Molecular consequence: synonymous variant. On other transcripts: non-coding transcript variant (1).
Genome position (GRCh38, 1-based): chr16:31,188,356, C>T. VCF-style: chr16-31188356-C-T. GRCh37 (hg19) VCF-style: chr16-31199677-C-T.
Other names: c.828C>T, p.Ser276= (NM_001170634.1); c.819C>T, p.Ser273= (NM_001170937.1).
Identifiers: ClinVar variation 1762911 (VCV001762911.5), dbSNP rs138746304, ClinGen allele CA8023840.

ClinVar aggregate classification (germline): Conflicting classifications of pathogenicity. Review status: criteria provided, conflicting classifications (1 of 4 stars). 2 submissions from 2 submitters: Uncertain significance (1); Likely benign (1). Last evaluated 2022-11-06.

Conditions:
Amyotrophic lateral sclerosis type 6. Also called: Amyotrophic lateral sclerosis 6, with or without frontotemporal dementia; FUS-Related Amyotrophic Laterial Sclerosis; AMYOTROPHIC LATERAL SCLEROSIS 6 WITHOUT FRONTOTEMPORAL DEMENTIA. Identifiers: Orphanet 275872, Orphanet 803, MedGen C2931786, MONDO:0011951, OMIM 608030.
Tremor, hereditary essential, 4 (ETM4). Identifiers: MedGen C3539195, MONDO:0013888, OMIM 614782.
Inborn genetic diseases. Identifiers: MedGen C0950123, MeSH D030342.

Allele frequency attached by ClinVar (database versions not stated): ExAC 0.00002; TOPMed 0.00005; ESP Exome Variant Server 0.00008.
gnomAD v4.1: 16 of 1,613,442 alleles (0.00099%); highest among the groups gnomAD compares: Middle Eastern, 0.016%; no homozygotes.

Submissions (2):

Labcorp Genetics (formerly Invitae), Labcorp
Classification: Uncertain significance for Tremor, hereditary essential, 4; Amyotrophic lateral sclerosis type 6. Last evaluated: 2022-11-06. Review status: criteria provided, single submitter. Criteria: Invitae Variant Classification Sherloc (09022015). Collection method: clinical testing. Allele origin: germline.
Comment: In summary, the available evidence is currently insufficient to determine the role of this variant in disease. Therefore, it has been classified as a Variant of Uncertain Significance. Algorithms developed to predict the effect of sequence changes on RNA splicing suggest that this variant is not likely to affect RNA splicing. This variant has not been reported in the literature in individuals affected with FUS-related conditions. This variant is present in population databases (rs138746304, gnomAD 0.01%). This sequence change affects codon 277 of the FUS mRNA. It is a 'silent' change, meaning that it does not change the encoded amino acid sequence of the FUS protein. It affects a nucleotide within the consensus splice site.

Ambry Genetics
Classification: Likely benign for Inborn genetic diseases. Last evaluated: 2022-08-16. Review status: criteria provided, single submitter. Criteria: Ambry Variant Classification Scheme 2023. Collection method: clinical testing. Allele origin: germline.